The following is an entry in ClinVar:

ClinVar aggregate classification (germline): Uncertain significance (1 of 4 stars; one submission).

Allele frequency attached by ClinVar (database versions not stated): gnomAD exomes below 0.00001; gnomAD 0.00001.
gnomAD v4.1: 3 of 1,611,568 alleles (0.00019%); highest among the groups gnomAD compares: African/African-American, 0.0027%; no homozygotes.

Submission:

GeneDx
Classification: Uncertain significance. Last evaluated: 2022-04-06. Review status: criteria provided, single submitter. Criteria: GeneDx Variant Classification Process June 2021. Collection method: clinical testing. Allele origin: germline. Affected: yes.
Comment: Has not been previously published as pathogenic or benign to our knowledge; Not observed at significant frequency in large population cohorts (gnomAD); In silico analysis supports that this missense variant does not alter protein structure/function

NM_002317.7(LOX):c.1225G>A (p.Ala409Thr)

Genes: LOX (lysyl oxidase; minus strand), SRFBP1 (serum response factor binding protein 1; plus strand). Cytogenetic location: 5q23.1.
Variant type: single nucleotide variant.
Coding change: c.1225G>A on transcript NM_002317.7 (MANE Select); coding-DNA position 1225, G replaced by A.
Protein change: p.Ala409Thr; replaces alanine 409 with threonine.
Molecular consequence: missense variant.
Genome position (GRCh38, 1-based): chr5:122,070,075, C>T on the plus strand (G>A on the coding strand, the complement: LOX is on the minus strand). VCF-style: chr5-122070075-C-T. GRCh37 (hg19) VCF-style: chr5-121405770-C-T.
Other names: c.535G>A, p.Ala179Thr (NM_001178102.2); c.334G>A, p.Ala112Thr (NM_001317073.1); short protein forms A112T, A179T, A409T.
Identifiers: ClinVar variation 1708582 (VCV001708582.2), dbSNP rs529331343, ClinGen allele CA125945697.
Genomic context (GRCh38, chr5:122,070,075, plus strand): 5'-TGTGACAACAATTACTTAGCTAAGCAAATAACACTTACGGTGAAATTGTGCAGCCTGAGG[C>T]ATACGCATGATGTCCTGTGTAGCGAATGTCACAGCGCACAACATTGTTGGTATAGTCAGA-3'
Protein context (NP_002308.2, residues 399-417): DIRYTGHHAY[Ala409Thr]SGCTISPY